The following is an entry in ClinVar:

NM_006329.4(FBLN5):c.1175T>G (p.Phe392Cys)

Gene: FBLN5 (fibulin 5; minus strand). Cytogenetic location: 14q32.12.
Variant type: single nucleotide variant.
Coding change: c.1175T>G on transcript NM_006329.4 (MANE Select); coding-DNA position 1175, T replaced by G.
Protein change: p.Phe392Cys; replaces phenylalanine 392 with cysteine.
Molecular consequence: missense variant.
Genome position (GRCh38, 1-based): chr14:91,877,497, A>C on the plus strand (T>G on the coding strand, the complement: FBLN5 is on the minus strand). VCF-style: chr14-91877497-A-C. GRCh37 (hg19) VCF-style: chr14-92343841-A-C.
Other names: c.1298T>G, p.Phe433Cys (NM_001384158.1); c.1226T>G, p.Phe409Cys (NM_001384159.1); c.1175T>G, p.Phe392Cys (NM_001384160.1); c.1007T>G, p.Phe336Cys (NM_001384161.1, NM_001384162.1); short protein forms F409C, F336C, F392C, F433C.
Identifiers: ClinVar variation 2805974 (VCV002805974.3), dbSNP rs2542751508, ClinGen allele CA390640439.

ClinVar aggregate classification (germline): Uncertain significance (1 of 4 stars; one submission).

Submission:

Labcorp Genetics (formerly Invitae), Labcorp
Classification: Uncertain significance. Last evaluated: 2022-11-17. Review status: criteria provided, single submitter. Criteria: Invitae Variant Classification Sherloc (09022015). Collection method: clinical testing. Allele origin: germline.
Comment: This variant has not been reported in the literature in individuals affected with FBLN5-related conditions. This variant is not present in population databases (gnomAD no frequency). This sequence change replaces phenylalanine, which is neutral and non-polar, with cysteine, which is neutral and slightly polar, at codon 392 of the FBLN5 protein (p.Phe392Cys). Advanced modeling of protein sequence and biophysical properties (such as structural, functional, and spatial information, amino acid conservation, physicochemical variation, residue mobility, and thermodynamic stability) performed at Invitae indicates that this missense variant is expected to disrupt FBLN5 protein function. In summary, the available evidence is currently insufficient to determine the role of this variant in disease. Therefore, it has been classified as a Variant of Uncertain Significance.